The following is an entry in ClinVar:

NM_030813.6(CLPB):c.703G>T (p.Glu235Ter)

Gene: CLPB (ClpB family mitochondrial disaggregase; minus strand). Cytogenetic location: 11q13.4.
Variant type: single nucleotide variant.
Coding change: c.703G>T on transcript NM_030813.6 (MANE Plus Clinical); coding-DNA position 703, G replaced by T.
Protein change: p.Glu235Ter; replaces glutamic acid 235 with a stop codon.
Molecular consequence: nonsense. On other transcripts: intron variant (2).
Genome position (GRCh38, 1-based): chr11:72,372,958, C>A on the plus strand (G>T on the coding strand, the complement: CLPB is on the minus strand). VCF-style: chr11-72372958-C-A. GRCh37 (hg19) VCF-style: chr11-72084002-C-A.
Other names: c.568G>T, p.Glu190Ter (NM_001258394.3); c.559+7323G>T (NM_001258393.3); c.646+7323G>T (NM_001258392.3); short protein forms E235*, E190*.
Identifiers: ClinVar variation 571241 (VCV000571241.12), dbSNP rs374473067, ClinGen allele CA6171470.
Genomic context (GRCh38, chr11:72,372,958, plus strand): 5'-AAATATTATACAGAGCAGTTCCATTACCGCCAGCGGGGAGTCCTAGCCATCTCCTGAACT[C>A]CAGGGCACTTGTCCACTGGTTTGTGATGTGCCGGCTTGCACCGTCCTGTCCCCCATCTGA-3'

ClinVar aggregate classification (germline): Conflicting classifications of pathogenicity. Review status: criteria provided, conflicting classifications (1 of 4 stars). 4 submissions from 4 submitters: Pathogenic (1); Likely pathogenic (2); Uncertain significance (1). Last evaluated 2026-06-11.

Conditions:
CLPB-related disorder. Also called: CLPB-related condition.
3-methylglutaconic aciduria, type VIIB (MGCA7B). Also called: 3-methylglutaconic aciduria with cataracts, neurologic involvement and neutropenia; CLPB Deficiency; 3-methylglutaconic aciduria, type VII, with cataracts, neurologic involvement and neutropenia. Identifiers: Orphanet 445038, MedGen C5676893, MONDO:0014561, OMIM 616271.
Autosomal recessive CLPB-related disorders.

Allele frequency attached by ClinVar (database versions not stated): ExAC 0.00003; gnomAD exomes 0.00003 and 0.00012; TOPMed 0.00003; gnomAD 0.00004; ESP Exome Variant Server 0.00008.
gnomAD v4.1: 181 of 1,614,034 alleles (0.011%); highest among the groups gnomAD compares: Non-Finnish European, 0.015%; no homozygotes.

Submissions (4):

GeneDx
Classification: Uncertain significance. Last evaluated: 2026-06-11. Review status: criteria provided, single submitter. Criteria: GeneDx Variant Classification Process June 2021. Collection method: clinical testing. Allele origin: germline.
Comment: Nonsense variant predicted to result in protein truncation or nonsense mediated decay in a gene for which loss of function is a known mechanism of disease; Has not been previously published in association with a CLPB-related disorder to our knowledge; This variant is associated with the following publications: (PMID: 35493704)

Labcorp Genetics (formerly Invitae), Labcorp
Classification: Pathogenic for 3-methylglutaconic aciduria, type VIIB. Last evaluated: 2025-09-03. Review status: criteria provided, single submitter. Criteria: Invitae Variant Classification Sherloc (09022015). Collection method: clinical testing. Allele origin: germline.
Comment: This sequence change creates a premature translational stop signal (p.Glu235*) in the CLPB gene. It is expected to result in an absent or disrupted protein product. Loss-of-function variants in CLPB are known to be pathogenic (PMID: 25597510, 28687938). This variant is present in population databases (rs374473067, gnomAD 0.009%). This variant has not been reported in the literature in individuals affected with CLPB-related conditions. ClinVar contains an entry for this variant (Variation ID: 571241). Algorithms developed to predict the effect of sequence changes on RNA splicing suggest that this variant may disrupt the consensus splice site. For these reasons, this variant has been classified as Pathogenic.

Variantyx, Inc.
Classification: Likely pathogenic for Autosomal recessive CLPB-related disorders. Last evaluated: 2025-08-26. Review status: criteria provided, single submitter. Criteria: Variantyx Assertion Criteria 2022. Collection method: clinical testing. Allele origin: germline. Inheritance: Autosomal recessive inheritance. Affected: no.
Comment: This is a nonsense variant in the CLPB gene (OMIM: 616254). Pathogenic variants in this gene have been associated with autosomal recessive CLPB-related disorders. This variant introduces a premature termination codon in exon 5 out of 17 and is expected to result in loss of function, which is a known disease mechanism for CLPB in these disorders (PMID: 25650066) (PVS1). This variant has a 0.0151% maximum allele frequency in non-founder control populations (PM2). Based on the current evidence, this variant is classified as likely pathogenic for autosomal recessive CLPB-related disorders.A

Blueprint Genetics
Classification: Likely pathogenic for CLPB-related disorders. Last evaluated: 2022-07-17. Review status: criteria provided, single submitter. Criteria: ACMG Guidelines, 2015. Collection method: clinical testing. Allele origin: germline. Affected: yes. Observed: 4 variant alleles.

Literature cited by the submitters: PubMed 25597510 (cited by Labcorp Genetics (formerly Invitae), Labcorp); PubMed 28687938 (cited by Labcorp Genetics (formerly Invitae), Labcorp); PubMed 25650066 (cited by Variantyx, Inc.).